The following is an entry in ClinVar:

NM_020066.5(FMN2):c.2790C>A (p.Gly930=)

Gene: FMN2 (formin 2; plus strand). Cytogenetic location: 1q43.
Variant type: single nucleotide variant.
Coding change: c.2790C>A on transcript NM_020066.5 (MANE Select); coding-DNA position 2790, C replaced by A.
Protein change: p.Gly930=; no amino-acid change (glycine 930 retained).
Molecular consequence: synonymous variant. On other transcripts: intron variant (1).
Genome position (GRCh38, 1-based): chr1:240,207,602, C>A. VCF-style: chr1-240207602-C-A. GRCh37 (hg19) VCF-style: chr1-240370902-C-A.
Other names: c.2802C>A, p.Gly934= (NM_001305424.2); c.1986+19340C>A (NM_001348094.2).
Identifiers: ClinVar variation 2640135 (VCV002640135.24), dbSNP rs769741561, ClinGen allele CA1476744.
Genomic context (GRCh38, chr1:240,207,602, plus strand): 5'-CCCTCCCCCTCCTCTTCCCGGAGCGGGCATACCTCCTCCGCCGCCTCTACCCGGAGCAGG[C>A]ATACTCCCTCTGCCCCCTCTACCCGGAGCGGGAATACCTCCTCCGCCCCCTCTACCCGGA-3'
Protein context (NP_064450.3, residues 920-940): IPPPPPLPGA[Gly930=]ILPLPPLPGA

ClinVar aggregate classification (germline): Likely benign (1 of 4 stars; one submission).

Allele frequency attached by ClinVar (database versions not stated): ExAC 0.00002; gnomAD 0.00002.
gnomAD v4.1: 14 of 1,584,142 alleles (0.00088%); highest among the groups gnomAD compares: East Asian, 0.0023%; no homozygotes.

Submission:

CeGaT Center for Human Genetics Tuebingen
Classification: Likely benign. Last evaluated: 2026-02-01. Review status: criteria provided, single submitter. Criteria: CeGaT Center For Human Genetics Tuebingen Variant Classification Criteria Version 2. Collection method: clinical testing. Allele origin: germline. Affected: yes. Observed: 5 variant alleles.
Comment: FMN2: BP4, BP7